The following is an entry in ClinVar:

NM_014236.4(GNPAT):c.1645A>G (p.Ile549Val)

Gene: GNPAT (glyceronephosphate O-acyltransferase; plus strand). Cytogenetic location: 1q42.2.
Variant type: single nucleotide variant.
Coding change: c.1645A>G on transcript NM_014236.4 (MANE Select); coding-DNA position 1645, A replaced by G.
Protein change: p.Ile549Val; replaces isoleucine 549 with valine.
Molecular consequence: missense variant.
Genome position (GRCh38, 1-based): chr1:231,273,964, A>G. VCF-style: chr1-231273964-A-G. GRCh37 (hg19) VCF-style: chr1-231409710-A-G.
Other names: c.1462A>G, p.Ile488Val (NM_001316350.2); c.1645A>G (NM_014236.3); short protein forms I549V, I488V.
Identifiers: ClinVar variation 2082297 (VCV002082297.2), dbSNP rs1012316194, ClinGen allele CA38983101.
Genomic context (GRCh38, chr1:231,273,964, plus strand): 5'-CTTCCTCTTCCCTTCTAGGACTTTGAAGAAGGCTGTTACCTGCTTTGTAAAAGTGAAGCC[A>G]TACAAGTGACTACGAAAGACATCCTAGTTACAGAGAAAGGAAATACTGTGTTAGAATTTT-3'
Protein context (NP_055051.1, residues 539-559): GCYLLCKSEA[Ile549Val]QVTTKDILVT

ClinVar aggregate classification (germline): Uncertain significance. Review status: criteria provided, multiple submitters, no conflicts (2 of 4 stars). 2 submissions from 2 submitters: Uncertain significance (2). Last evaluated 2024-03-05.

Conditions:
Inborn genetic diseases. Identifiers: MedGen C0950123, MeSH D030342.

Allele frequency attached by ClinVar (database versions not stated): gnomAD exomes 0.00001; gnomAD 0.00003; TOPMed 0.00004.
gnomAD v4.1: 14 of 1,612,464 alleles (0.00087%); highest among the groups gnomAD compares: Admixed American, 0.017%; no homozygotes.

Submissions (2):

Ambry Genetics
Classification: Uncertain significance for Inborn genetic diseases. Last evaluated: 2024-03-05. Review status: criteria provided, single submitter. Criteria: Ambry Variant Classification Scheme 2023. Collection method: clinical testing. Allele origin: germline.

Labcorp Genetics (formerly Invitae), Labcorp
Classification: Uncertain significance. Last evaluated: 2022-01-26. Review status: criteria provided, single submitter. Criteria: Invitae Variant Classification Sherloc (09022015). Collection method: clinical testing. Allele origin: germline.
Comment: This sequence change replaces isoleucine, which is neutral and non-polar, with valine, which is neutral and non-polar, at codon 549 of the GNPAT protein (p.Ile549Val). This variant is present in population databases (no rsID available, gnomAD 0.01%). This variant has not been reported in the literature in individuals affected with GNPAT-related conditions. Algorithms developed to predict the effect of missense changes on protein structure and function output the following: SIFT: "Tolerated"; PolyPhen-2: "Benign"; Align-GVGD: "Class C0". The valine amino acid residue is found in multiple mammalian species, which suggests that this missense change does not adversely affect protein function. In summary, the available evidence is currently insufficient to determine the role of this variant in disease. Therefore, it has been classified as a Variant of Uncertain Significance.